The following is an entry in ClinVar:

ClinVar aggregate classification (germline): Benign. Review status: criteria provided, single submitter (1 of 4 stars). 2 submissions from 2 submitters: Benign (1). 1 of the submissions does not count toward it. Last evaluated 2026-01-26.

Conditions:
ARSI-related disorder. Also called: ARSI-related condition.
Spastic paraplegia. Identifiers: MedGen C0037772, HP:0001258.

Allele frequency attached by ClinVar (database versions not stated): ESP Exome Variant Server 0.00023; gnomAD exomes 0.00259 and 0.00877; gnomAD 0.00272 and 0.00385; TOPMed 0.00424; ExAC 0.00812; 1000 Genomes Project 30x 0.02092; 1000 Genomes Project 0.02137.
gnomAD v4.1: 4,706 of 1,612,450 alleles (0.29%); highest among the groups gnomAD compares: East Asian, 7.2%; 178 homozygotes.

Submissions (2):

Labcorp Genetics (formerly Invitae), Labcorp
Classification: Benign for Spastic paraplegia. Last evaluated: 2026-01-26. Review status: criteria provided, single submitter. Criteria: Invitae Variant Classification Sherloc (09022015). Collection method: clinical testing. Allele origin: germline.

PreventionGenetics, part of Exact Sciences
Classification: Benign for ARSI-related condition. Last evaluated: 2019-10-21. Review status: no assertion criteria provided. Collection method: clinical testing. Allele origin: germline. Not counted in ClinVar's aggregate classification.
Comment: This variant is classified as benign based on ACMG/AMP sequence variant interpretation guidelines (Richards et al. 2015 PMID: 25741868, with internal and published modifications).

NM_001012301.4(ARSI):c.894T>C (p.Asn298=)

Gene: ARSI (arylsulfatase family member I; minus strand). Cytogenetic location: 5q32.
Variant type: single nucleotide variant.
Coding change: c.894T>C on transcript NM_001012301.4 (MANE Select); coding-DNA position 894, T replaced by C.
Protein change: p.Asn298=; no amino-acid change (asparagine 298 retained).
Molecular consequence: synonymous variant.
Genome position (GRCh38, 1-based): chr5:150,298,030, A>G on the plus strand (T>C on the coding strand, the complement: ARSI is on the minus strand). VCF-style: chr5-150298030-A-G. GRCh37 (hg19) VCF-style: chr5-149677593-A-G.
Other names: c.894T>C (NM_001012301.3).
Identifiers: ClinVar variation 465199 (VCV000465199.14), dbSNP rs77878118, ClinGen allele CA3510221.